The following is an entry in ClinVar:

NM_000092.5(COL4A4):c.1247del (p.Pro416fs)

Gene: COL4A4 (collagen type IV alpha 4 chain; minus strand). Cytogenetic location: 2q36.3.
Variant type: Deletion.
Coding change: c.1247del on transcript NM_000092.5 (MANE Select); coding-DNA position 1247, one base deleted (C; older notation c.1247delC).
Protein change: p.Pro416fs; shifts the reading frame from proline 416.
Molecular consequence: frameshift variant.
Genome position (GRCh38, 1-based): chr2:227,094,247, G deleted on the plus strand (C on the coding strand, the reverse complement: COL4A4 is on the minus strand); the first of 2 consecutive G bases (chr2:227,094,247-227,094,248); deleting either gives the same sequence. VCF-style (leftmost placement, unchanged base first): chr2-227094246-AG-A. GRCh37 (hg19) VCF-style: chr2-227958962-AG-A.
Other names: short protein forms P416fs.
Identifiers: ClinVar variation 1386713 (VCV001386713.6), dbSNP rs2150687380, ClinGen allele CA2573135432.

ClinVar aggregate classification (germline): Pathogenic (1 of 4 stars; one submission).

Submission:

Labcorp Genetics (formerly Invitae), Labcorp
Classification: Pathogenic. Last evaluated: 2021-08-28. Review status: criteria provided, single submitter. Criteria: Invitae Variant Classification Sherloc (09022015). Collection method: clinical testing. Allele origin: germline.
Comment: For these reasons, this variant has been classified as Pathogenic. This variant has not been reported in the literature in individuals affected with COL4A4-related conditions. This variant is not present in population databases (ExAC no frequency). This sequence change creates a premature translational stop signal (p.Pro416Leufs*42) in the COL4A4 gene. It is expected to result in an absent or disrupted protein product. Loss-of-function variants in COL4A4 are known to be pathogenic (PMID: 21196518, 24854265, 25307543).

Literature cited by the submitters: PubMed 21196518; PubMed 24854265; PubMed 25307543.